The following is an entry in ClinVar:

ClinVar aggregate classification (germline): Pathogenic (1 of 4 stars; one submission).

Conditions:
Hereditary diffuse gastric adenocarcinoma (HDGC). Also called: DIFFUSE GASTRIC AND LOBULAR BREAST CANCER SYNDROME. Identifiers: Orphanet 26106, MedGen C1708349, MONDO:0007648, OMIM 137215.

Submission:

Myriad Genetics, Inc.
Classification: Pathogenic for Hereditary diffuse gastric adenocarcinoma. Last evaluated: 2023-06-14. Review status: criteria provided, single submitter. Criteria: Myriad Autosomal Dominant, Autosomal Recessive and X-Linked Classification Criteria (2023). Collection method: clinical testing. Allele origin: unknown.
Comment: This variant is considered pathogenic. This variant creates a frameshift predicted to result in premature protein truncation.

NM_004360.5(CDH1):c.1543dup (p.Thr515fs)

Gene: CDH1 (cadherin 1; plus strand). Cytogenetic location: 16q22.1.
Variant type: Duplication.
Coding change: c.1543dup on transcript NM_004360.5 (MANE Select); coding-DNA position 1543, one base duplicated (A; older notation c.1543dupA).
Protein change: p.Thr515fs; shifts the reading frame from threonine 515.
Molecular consequence: frameshift variant. On other transcripts: 5 prime UTR variant (2).
Genome position (GRCh38, 1-based): chr16:68,815,737, A duplicated. VCF-style (leftmost placement, unchanged base first): chr16-68815736-C-CA. GRCh37 (hg19) VCF-style: chr16-68849639-C-CA.
Other names: c.1360dup, p.Thr454fs (NM_001317184.2); c.-6dup (NM_001317185.2); c.-277dup (NM_001317186.2); short protein forms T454fs, T515fs.
Identifiers: ClinVar variation 2583714 (VCV002583714.2), dbSNP rs2543931432, ClinGen allele CA2582342599.
Genomic context (GRCh38, chr16:68,815,736, plus strand): 5'-AGTGTCCGAGGACTTTGGCGTGGGCCAGGAAATCACATCCTACACTGCCCAGGAGCCAGA[C>CA]ACATTTATGGAACAGAAAATAACGTAAGTGTGAGGATTTTTCAACTGACTTGCAGCAACT-3'